The following is an entry in ClinVar:

NM_002907.4(RECQL):c.1036G>A (p.Ala346Thr)

Gene: RECQL (RecQ like helicase; minus strand). Cytogenetic location: 12p12.1.
Variant type: single nucleotide variant.
Coding change: c.1036G>A on transcript NM_002907.4 (MANE Select); coding-DNA position 1036, G replaced by A.
Protein change: p.Ala346Thr; replaces alanine 346 with threonine.
Molecular consequence: missense variant.
Genome position (GRCh38, 1-based): chr12:21,475,738, C>T on the plus strand (G>A on the coding strand, the complement: RECQL is on the minus strand). VCF-style: chr12-21475738-C-T. GRCh37 (hg19) VCF-style: chr12-21628672-C-T.
Other names: c.1036G>A, p.Ala346Thr (NM_032941.3); short protein forms A346T.
Identifiers: ClinVar variation 3431811 (VCV003431811.2).
Genomic context (GRCh38, chr12:21,475,738, plus strand): 5'-GAATTTCATTGGCTGACCATTTTCTATGAACTGTGGTCTTATCTTCTGGCTCCAAATTGG[C>T]ATGGTAAGCACCTGCATGAATTCCCAGATTCTGCAAACTAACCGTAACTTGTTCAGAGTC-3'
Protein context (NP_002898.2, residues 336-356): NLGIHAGAYH[Ala346Thr]NLEPEDKTTV

ClinVar aggregate classification (germline): Uncertain significance. Review status: criteria provided, multiple submitters, no conflicts (2 of 4 stars). 2 submissions from 2 submitters: Uncertain significance (2). Last evaluated 2025-06-22.

Submissions (2):

Labcorp Genetics (formerly Invitae), Labcorp
Classification: Uncertain significance. Last evaluated: 2025-06-22. Review status: criteria provided, single submitter. Criteria: Invitae Variant Classification Sherloc (09022015). Collection method: clinical testing. Allele origin: germline.
Comment: This sequence change replaces alanine, which is neutral and non-polar, with threonine, which is neutral and polar, at codon 346 of the RECQL protein (p.Ala346Thr). This variant is not present in population databases (gnomAD no frequency). This variant has not been reported in the literature in individuals affected with RECQL-related conditions. ClinVar contains an entry for this variant (Variation ID: 3431811). Invitae Evidence Modeling of protein sequence and biophysical properties (such as structural, functional, and spatial information, amino acid conservation, physicochemical variation, residue mobility, and thermodynamic stability) indicates that this missense variant is expected to disrupt RECQL protein function with a positive predictive value of 80%. In summary, the available evidence is currently insufficient to determine the role of this variant in disease. Therefore, it has been classified as a Variant of Uncertain Significance.

Ambry Genetics
Classification: Uncertain significance. Last evaluated: 2024-10-19. Review status: criteria provided, single submitter. Criteria: Ambry Variant Classification Scheme 2023. Collection method: clinical testing. Allele origin: germline.
Comment: The p.A346T variant (also known as c.1036G>A), located in coding exon 8 of the RECQL gene, results from a G to A substitution at nucleotide position 1036. The alanine at codon 346 is replaced by threonine, an amino acid with similar properties. This amino acid position is conserved. In addition, this alteration is predicted to be deleterious by in silico analysis. Based on the available evidence, the clinical significance of this variant remains unclear.